The following is an entry in ClinVar:

ClinVar aggregate classification (germline): Conflicting classifications of pathogenicity. Review status: criteria provided, conflicting classifications (1 of 4 stars). 2 submissions from 2 submitters: Uncertain significance (1); Likely benign (1). Last evaluated 2024-03-06.

Conditions:
Hereditary cancer-predisposing syndrome. Also called: Neoplastic Syndromes, Hereditary; Tumor predisposition; Hereditary Cancer Syndrome; Hereditary neoplastic syndrome. Identifiers: Orphanet 140162, MedGen C0027672, MeSH D009386, MONDO:0015356.

gnomAD v4.1: 3 of 1,614,286 alleles (0.00019%); highest among the groups gnomAD compares: Non-Finnish European, 0.00025%; no homozygotes.

Submissions (2):

Color Diagnostics, LLC DBA Color Health
Classification: Uncertain significance for Hereditary cancer-predisposing syndrome. Last evaluated: 2024-03-06. Review status: criteria provided, single submitter. Criteria: ACMG Guidelines, 2015. Collection method: clinical testing. Allele origin: germline.
Comment: This missense variant replaces methionine with threonine at codon 517 of the CDH1 protein. To our knowledge, functional studies have not been reported for this variant. This variant has not been reported in individuals affected with CDH1-related disorders in the literature. This variant has not been identified in the general population by the Genome Aggregation Database (gnomAD). The available evidence is insufficient to determine the role of this variant in disease conclusively. Therefore, this variant is classified as a Variant of Uncertain Significance.

Ambry Genetics
Classification: Likely benign for Hereditary cancer-predisposing syndrome. Last evaluated: 2024-02-14. Review status: criteria provided, single submitter. Criteria: Ambry Variant Classification Scheme 2023. Collection method: clinical testing. Allele origin: germline.

NM_004360.5(CDH1):c.1550T>C (p.Met517Thr)

Gene: CDH1 (cadherin 1; plus strand). Cytogenetic location: 16q22.1.
Variant type: single nucleotide variant.
Coding change: c.1550T>C on transcript NM_004360.5 (MANE Select); coding-DNA position 1550, T replaced by C.
Protein change: p.Met517Thr; replaces methionine 517 with threonine.
Molecular consequence: missense variant. On other transcripts: initiator codon variant (1), 5 prime UTR variant (1).
Genome position (GRCh38, 1-based): chr16:68,815,744, T>C. VCF-style: chr16-68815744-T-C. GRCh37 (hg19) VCF-style: chr16-68849647-T-C.
Other names: c.1550T>C (LRG_301t1); c.1367T>C, p.Met456Thr (NM_001317184.2); c.2T>C, p.Met1Thr (NM_001317185.2); c.-270T>C (NM_001317186.2); short protein forms M517T, M1T, M456T.
Identifiers: ClinVar variation 231835 (VCV000231835.10), dbSNP rs786203656, ClinGen allele CA10580123.